The following is an entry in ClinVar:

ClinVar aggregate classification (germline): Uncertain significance (1 of 4 stars; one submission).

Conditions:
Ehlers-Danlos syndrome, classic type, 1 (EDSCL1). Also called: EHLERS-DANLOS SYNDROME, GRAVIS TYPE; EHLERS-DANLOS SYNDROME, SEVERE CLASSIC TYPE; Ehlers-Danlos syndrome, type 1; Ehlers-Danlos Syndrome, Classic Type, COL5A1-Related; EDS I. Identifiers: MedGen C0268335, MONDO:0019567, OMIM 130000.

Submission:

Labcorp Genetics (formerly Invitae), Labcorp
Classification: Uncertain significance for Ehlers-Danlos syndrome, classic type, 1. Last evaluated: 2026-01-24. Review status: criteria provided, single submitter. Criteria: Invitae Variant Classification Sherloc (09022015). Collection method: clinical testing. Allele origin: germline.
Comment: This sequence change replaces phenylalanine, which is neutral and non-polar, with valine, which is neutral and non-polar, at codon 61 of the COL5A1 protein (p.Phe61Val). This variant is not present in population databases (gnomAD no frequency). This variant has not been reported in the literature in individuals affected with COL5A1-related conditions. Invitae Evidence Modeling of protein sequence and biophysical properties (such as structural, functional, and spatial information, amino acid conservation, physicochemical variation, residue mobility, and thermodynamic stability) indicates that this missense variant is not expected to disrupt COL5A1 protein function with a negative predictive value of 95%. In summary, the available evidence is currently insufficient to determine the role of this variant in disease. Therefore, it has been classified as a Variant of Uncertain Significance.

NM_000093.5(COL5A1):c.181T>G (p.Phe61Val)

Gene: COL5A1 (collagen type V alpha 1 chain; plus strand). Cytogenetic location: 9q34.3.
Variant type: single nucleotide variant.
Coding change: c.181T>G on transcript NM_000093.5 (MANE Select); coding-DNA position 181, T replaced by G.
Protein change: p.Phe61Val; replaces phenylalanine 61 with valine.
Molecular consequence: missense variant.
Genome position (GRCh38, 1-based): chr9:134,690,983, T>G. VCF-style: chr9-134690983-T-G. GRCh37 (hg19) VCF-style: chr9-137582829-T-G.
Other names: c.181T>G, p.Phe61Val (NM_001278074.1); short protein forms F61V.
Identifiers: ClinVar variation 4748232 (VCV004748232.1).